The following is an entry in ClinVar:

NM_000256.3(MYBPC3):c.1967C>G (p.Pro656Arg)

Gene: MYBPC3 (myosin binding protein C3; minus strand). Cytogenetic location: 11p11.2.
Variant type: single nucleotide variant.
Coding change: c.1967C>G on transcript NM_000256.3 (MANE Select); coding-DNA position 1967, C replaced by G.
Protein change: p.Pro656Arg; replaces proline 656 with arginine.
Molecular consequence: missense variant.
Genome position (GRCh38, 1-based): chr11:47,339,751, G>C on the plus strand (C>G on the coding strand, the complement: MYBPC3 is on the minus strand). VCF-style: chr11-47339751-G-C. GRCh37 (hg19) VCF-style: chr11-47361302-G-C.
Other names: short protein forms P656R.
Identifiers: ClinVar variation 1501757 (VCV001501757.8), dbSNP rs927421140, ClinGen allele CA380321875.

ClinVar aggregate classification (germline): Uncertain significance (1 of 4 stars; one submission).

Conditions:
Hypertrophic cardiomyopathy. Also called: HYPERTROPHIC MYOCARDIOPATHY. Identifiers: Orphanet 217569, MedGen C0007194, MeSH D002312, MONDO:0005045, HP:0001639.

Submission:

Labcorp Genetics (formerly Invitae), Labcorp
Classification: Uncertain significance for Hypertrophic cardiomyopathy. Last evaluated: 2025-03-31. Review status: criteria provided, single submitter. Criteria: Invitae Variant Classification Sherloc (09022015). Collection method: clinical testing. Allele origin: germline.
Comment: This sequence change replaces proline, which is neutral and non-polar, with arginine, which is basic and polar, at codon 656 of the MYBPC3 protein (p.Pro656Arg). This variant is not present in population databases (gnomAD no frequency). This variant has not been reported in the literature in individuals affected with MYBPC3-related conditions. ClinVar contains an entry for this variant (Variation ID: 1501757). An algorithm developed to predict the effect of missense changes on protein structure and function (PolyPhen-2) suggests that this variant is likely to be disruptive. In summary, the available evidence is currently insufficient to determine the role of this variant in disease. Therefore, it has been classified as a Variant of Uncertain Significance.